The following is an entry in ClinVar:

ClinVar aggregate classification (germline): Pathogenic/Likely pathogenic. Review status: criteria provided, multiple submitters, no conflicts (2 of 4 stars). 12 submissions from 12 submitters: Pathogenic (10); Likely pathogenic (1). 1 of the submissions does not count toward it. Last evaluated 2026-10-23.

Conditions:
PURA-related severe neonatal hypotonia-seizures-encephalopathy syndrome (NEDRIHF). Also called: NEURODEVELOPMENTAL DISORDER WITH NEONATAL RESPIRATORY INSUFFICIENCY, HYPOTONIA, AND FEEDING DIFFICULTIES; PURA-Related Neurodevelopmental Disorders. Identifiers: Orphanet 438213, Orphanet 438216, MedGen C4015357, MONDO:1060108, OMIM 616158, MONDO:0018580.
PURA-related disorder. Also called: PURA-related condition.
PURA-related severe neonatal hypotonia-seizures-encephalopathy syndrome due to a point mutation. Identifiers: Orphanet 438216, MedGen CN924912, MONDO:0014512.
Intellectual disability. Also called: intellectual disabilities; Intellectual functioning disability; Intellectual developmental disorder. Identifiers: MedGen C3714756, MeSH D008607, MONDO:0001071, HP:0001249.

Submissions (12):

GeneDx
Classification: Pathogenic. Last evaluated: 2026-10-23. Review status: criteria provided, single submitter. Criteria: GeneDx Variant Classification Process June 2021. Collection method: clinical testing. Allele origin: germline.
Comment: Frameshift variant predicted to result in protein truncation or nonsense mediated decay in a gene for which loss of function is a known mechanism of disease; Not observed at significant frequency in large population cohorts (gnomAD); This variant is associated with the following publications: (PMID: 39843441, 33057194, 37541188, 35982159, 41320140, 42373670, 38770750, 39824548, 36376392, 32581362)

Medical and Scientific Branch, Hong Kong Genome Institute
Classification: Pathogenic for PURA-related severe neonatal hypotonia-seizures-encephalopathy syndrome. Last evaluated: 2026-01-26. Review status: criteria provided, single submitter. Criteria: ACMG Guidelines, 2015. Collection method: clinical testing. Allele origin: de novo. Affected: yes.

3billion
Classification: Pathogenic for PURA-related severe neonatal hypotonia-seizures-encephalopathy syndrome. Last evaluated: 2025-12-01. Review status: criteria provided, single submitter. Criteria: ACMG Guidelines, 2015. Collection method: clinical testing. Allele origin: germline. Affected: yes.
Comment: The variant is observed at an extremely low frequency in the gnomAD v4.1.0 dataset (total allele frequency: <0.001%). Predicted Consequence/Location: Frameshift: predicted to result in a loss or disruption of normal protein function through protein truncation. Multiple pathogenic variants are reported in the predicted truncated region. The variant has been previously reported as assumed (i.e. paternity and maternity not confirmed) de novo in at least one similarly affected unrelated individual (3billion dataset). The variant has been reported at least twice as pathogenic with clinical assertions and evidence for the classification (ClinVar ID: VCV000432233 /PMID: 32581362 /3billion dataset). Therefore, this variant is classified as Pathogenic according to the recommendation of ACMG/AMP guideline.

Center of Human Genetics, Hôpital Erasme
Classification: Pathogenic for PURA-related severe neonatal hypotonia-seizures-encephalopathy syndrome. Last evaluated: 2025-01-01. Review status: criteria provided, single submitter. Criteria: ACMG Guidelines, 2015. Collection method: clinical testing. Allele origin: de novo. Affected: yes.

Clinical Genomics Laboratory, Washington University in St. Louis
Classification: Pathogenic for PURA-related severe neonatal hypotonia-seizures-encephalopathy syndrome. Last evaluated: 2024-06-20. Review status: criteria provided, single submitter. Criteria: ACMG Guidelines, 2015. Collection method: clinical testing. Allele origin: germline. Affected: yes.
Comment: The PURA c.159dup (p.Leu54Alafs*147) variant has been reported as occurring de novo in four individuals affected with PURA-related neurodevelopmental disorders (PURA-NDDs) (Dai W et al., PMID: 36376392). This variant has been reported in the ClinVar database as a pathogenic variant by six submitters and as a likely pathogenic variant by one submitter. This variant is absent from the general population (gnomAD v.2.1.1), indicating it is not a common variant. This variant causes a frameshift by inserting one nucleotide, leading to a premature termination codon, which is predicted to lead to nonsense mediated decay. Based on available information and the ACMG/AMP guidelines for variant interpretation (Richards S et al., PMID: 25741868), this variant is classified as pathogenic.

Genomic Medicine Center of Excellence, King Faisal Specialist Hospital and Research Centre
Classification: Pathogenic for PURA-related severe neonatal hypotonia-seizures-encephalopathy syndrome. Last evaluated: 2024-03-25. Review status: criteria provided, single submitter. Criteria: ACMG Guidelines, 2015. Collection method: research. Allele origin: germline.

Labcorp Genetics (formerly Invitae), Labcorp
Classification: Pathogenic for PURA-related severe neonatal hypotonia-seizures-encephalopathy syndrome. Last evaluated: 2024-02-24. Review status: criteria provided, single submitter. Criteria: Invitae Variant Classification Sherloc (09022015). Collection method: clinical testing. Allele origin: germline.
Comment: This sequence change creates a premature translational stop signal (p.Leu54Alafs*147) in the PURA gene. While this is not anticipated to result in nonsense mediated decay, it is expected to disrupt the last 269 amino acid(s) of the PURA protein. This variant is not present in population databases (gnomAD no frequency). This premature translational stop signal has been observed in individual(s) with clinical features of PURA-related conditions (PMID: 32581362). ClinVar contains an entry for this variant (Variation ID: 432233). This variant disrupts a region of the PURA protein in which other variant(s) (p.Tyr240*) have been determined to be pathogenic (Invitae). This suggests that this is a clinically significant region of the protein, and that variants that disrupt it are likely to be disease-causing. For these reasons, this variant has been classified as Pathogenic.

Blueprint Genetics
Classification: Likely pathogenic for PURA-related disorders. Last evaluated: 2021-10-26. Review status: criteria provided, single submitter. Criteria: ACMG Guidelines, 2015. Collection method: clinical testing. Allele origin: germline. Affected: yes. Observed: 1 variant allele.

Institute of Medical Genetics and Applied Genomics, University Hospital Tübingen
Classification: Pathogenic. Last evaluated: 2020-10-23. Review status: criteria provided, single submitter. Criteria: ACMG Guidelines, 2015. Collection method: clinical testing. Allele origin: germline. Inheritance: Unknown mechanism. Affected: yes.

CeGaT Center for Human Genetics Tuebingen
Classification: Pathogenic. Last evaluated: 2019-09-01. Review status: criteria provided, single submitter. Criteria: CeGaT Center For Human Genetics Tuebingen Variant Classification Criteria Version 2. Collection method: clinical testing. Allele origin: germline. Affected: yes. Observed: 3 variant alleles.

Laboratory for Molecular Medicine, Mass General Brigham Personalized Medicine
Classification: Pathogenic for PURA-related severe neonatal hypotonia-seizures-encephalopathy syndrome due to a point mutation. Last evaluated: 2016-11-18. Review status: criteria provided, single submitter. Criteria: LMM Criteria. Collection method: clinical testing. Allele origin: germline. Inheritance: Autosomal dominant inheritance. Observed: 1 variant allele.
Comment: The p.Leu54fs variant in PURA has not been previously reported in individuals wi th severe neonatal hypotonia-seizures-encephalopathy syndrome. Data from large p opulation studies is insufficient to assess the frequency of this variant. The p .Leu54fs variant is predicted to cause a frameshift, which alters the protein?s amino acid sequence beginning at position 54 and leads to a premature terminatio n codon 147 amino acids downstream. This gene contains a single exon, so the alt ered transcript is more likely to escape nonsense mediated decay (NMD) and resul t in a truncated protein. Heterozygous truncating variants in the PURA gene are strongly associated with severe neonatal hypotonia-seizures-encephalopathy syndr ome, with the all causative variants reported to date occuring de novo. In summa ry, the p.Leu54fs variant meets criteria to be classified as pathogenic for seve re neonatal hypotonia-seizures-encephalopathy syndrome based on its predicted im pact to the protein.

NIHR Bioresource Rare Diseases, University of Cambridge
Classification: Likely pathogenic for Intellectual disability. Review status: no assertion criteria provided. Collection method: research. Allele origin: unknown. Affected: yes. Observed: 1 variant allele. Not counted in ClinVar's aggregate classification.

Literature cited by the submitters: PubMed 32581362 (cited by 3 submitters).

NM_005859.5(PURA):c.159dup (p.Leu54fs)

Gene: PURA (purine rich element binding protein A; plus strand). Cytogenetic location: 5q31.3.
Variant type: Duplication.
Coding change: c.159dup on transcript NM_005859.5 (MANE Select); coding-DNA position 159, one base duplicated (G; older notation c.159dupG).
Protein change: p.Leu54fs; shifts the reading frame from leucine 54.
Molecular consequence: frameshift variant.
Genome position (GRCh38, 1-based): chr5:140,114,340, G duplicated; the last of 6 consecutive G bases (chr5:140,114,335-140,114,340); duplicating any one gives the same sequence. VCF-style (leftmost placement, unchanged base first): chr5-140114334-A-AG. GRCh37 (hg19) VCF-style: chr5-139493919-A-AG.
Other names: NM_005859.4:c.159_160insG; p.Leu54AlafsX147; c.159dupG (NM_005859.4, NM_005859.5); short protein forms L54fs.
Identifiers: ClinVar variation 432233 (VCV000432233.67), dbSNP rs1554129040, ClinGen allele CA645372805.
Genomic context (GRCh38, chr5:140,114,334, plus strand): 5'-CGGGGGCGGTGGTGGCGGCGGGGGCGGCGGCGGCAGTGGCGGCGGCGGCGGCGGGGCCCC[A>AG]GGGGGGCTGCAGCACGAGACGCAGGAGCTGGCCTCCAAGCGGGTGGACATCCAGAACAAG-3'